The following is an entry in ClinVar:

NM_016333.4(SRRM2):c.7979C>A (p.Pro2660His)

Gene: SRRM2 (serine/arginine repetitive matrix 2; plus strand). Cytogenetic location: 16p13.3.
Variant type: single nucleotide variant.
Coding change: c.7979C>A on transcript NM_016333.4 (MANE Select); coding-DNA position 7979, C replaced by A.
Protein change: p.Pro2660His; replaces proline 2660 with histidine.
Molecular consequence: missense variant.
Genome position (GRCh38, 1-based): chr16:2,769,242, C>A. VCF-style: chr16-2769242-C-A. GRCh37 (hg19) VCF-style: chr16-2819243-C-A.
Other names: short protein forms P2660H.
Identifiers: ClinVar variation 2582076 (VCV002582076.1), dbSNP rs1204678434, ClinGen allele CA394430809.
Genomic context (GRCh38, chr16:2,769,242, plus strand): 5'-CTTCCTCCTCCTCGTCGTCTTCCTCCCCTTCCCCTGCTAAGCCTGGCCCTCAGGCCTTGC[C>A]CAAACCTGCAAGCCCCAAGAAGCCACCCCCTGGCGAGCGGAGGTGAGTGCTGTCTTGCCT-3'
Protein context (NP_057417.3, residues 2650-2670): SPAKPGPQAL[Pro2660His]KPASPKKPPP

ClinVar aggregate classification (germline): Uncertain significance (1 of 4 stars; one submission).

Allele frequency attached by ClinVar (database versions not stated): gnomAD 0.00001; TOPMed 0.00001.
gnomAD v4.1: 4 of 1,579,846 alleles (0.00025%); highest among the groups gnomAD compares: African/African-American, 0.0054%; no homozygotes.

Submission:

GeneDx
Classification: Uncertain significance. Last evaluated: 2023-03-26. Review status: criteria provided, single submitter. Criteria: GeneDx Variant Classification Process June 2021. Collection method: clinical testing. Allele origin: germline. Affected: yes.
Comment: Not observed at significant frequency in large population cohorts (gnomAD); In silico analysis supports that this missense variant does not alter protein structure/function; Has not been previously published as pathogenic or benign to our knowledge